The following is an entry in ClinVar:

ClinVar aggregate classification (germline): Uncertain significance (1 of 4 stars; one submission).

Allele frequency attached by ClinVar (database versions not stated): gnomAD 0.00147 and 0.00158; TOPMed 0.00147; 1000 Genomes Project 0.00200; 1000 Genomes Project 30x 0.00219; gnomAD exomes 0.00030; ExAC 0.00031; ESP Exome Variant Server 0.00108.
gnomAD v4.1: 426 of 1,612,538 alleles (0.026%); highest among the groups gnomAD compares: African/African-American, 0.5%; 1 homozygote.

Submission:

GeneDx
Classification: Uncertain significance. Last evaluated: 2019-08-02. Review status: criteria provided, single submitter. Criteria: GeneDx Variant Classification Process June 2021. Collection method: clinical testing. Allele origin: germline. Affected: yes.
Comment: In silico analysis, which includes protein predictors and evolutionary conservation, supports that this variant does not alter protein structure/function; Has not been previously published as pathogenic or benign to our knowledge

NM_001436401.1(NOBOX):c.38-299G>T

Gene: NOBOX (NOBOX oogenesis homeobox; minus strand). Cytogenetic location: 7q35.
Variant type: single nucleotide variant.
Coding change: c.38-299G>T on transcript NM_001436401.1 (MANE Select); 299 bases into the intron before coding-DNA position 38, G replaced by T.
Molecular consequence: intron variant.
Genome position (GRCh38, 1-based): chr7:144,401,896, C>A on the plus strand (G>T on the coding strand, the complement: NOBOX is on the minus strand). VCF-style: chr7-144401896-C-A. GRCh37 (hg19) VCF-style: chr7-144098989-C-A.
Other names: NM_001080413.3:c.265G>T; c.38-1584G>T (NM_001436402.1).
Identifiers: ClinVar variation 1307604 (VCV001307604.2), dbSNP rs182294424, ClinGen allele CA4544889.